The following is an entry in ClinVar:

NM_000391.4(TPP1):c.615C>G (p.Ile205Met)

Gene: TPP1 (tripeptidyl peptidase 1; minus strand). Cytogenetic location: 11p15.4.
Variant type: single nucleotide variant.
Coding change: c.615C>G on transcript NM_000391.4 (MANE Select); coding-DNA position 615, C replaced by G.
Protein change: p.Ile205Met; replaces isoleucine 205 with methionine.
Molecular consequence: missense variant.
Genome position (GRCh38, 1-based): chr11:6,617,047, G>C on the plus strand (C>G on the coding strand, the complement: TPP1 is on the minus strand). VCF-style: chr11-6617047-G-C. GRCh37 (hg19) VCF-style: chr11-6638278-G-C.
Other names: c.615C>G (NM_000391.3); short protein forms I205M.
Identifiers: ClinVar variation 1373982 (VCV001373982.10), dbSNP rs2134594996, ClinGen allele CA379475453.

ClinVar aggregate classification (germline): Uncertain significance. Review status: criteria provided, multiple submitters, no conflicts (2 of 4 stars). 3 submissions from 3 submitters: Uncertain significance (3). Last evaluated 2026-02-01.

Conditions:
Inborn genetic diseases. Identifiers: MedGen C0950123, MeSH D030342.

gnomAD v4.1: 17 of 1,614,154 alleles (0.0011%); highest among the groups gnomAD compares: Non-Finnish European, 0.0014%; no homozygotes.

Submissions (3):

CeGaT Center for Human Genetics Tuebingen
Classification: Uncertain significance. Last evaluated: 2026-02-01. Review status: criteria provided, single submitter. Criteria: CeGaT Center For Human Genetics Tuebingen Variant Classification Criteria Version 2. Collection method: clinical testing. Allele origin: germline. Affected: yes. Observed: 1 variant allele.
Comment: TPP1: PM1, PM2

Ambry Genetics
Classification: Uncertain significance for Inborn genetic diseases. Last evaluated: 2025-12-02. Review status: criteria provided, single submitter. Criteria: Ambry Variant Classification Scheme 2023. Collection method: clinical testing. Allele origin: germline.

Labcorp Genetics (formerly Invitae), Labcorp
Classification: Uncertain significance. Last evaluated: 2022-03-03. Review status: criteria provided, single submitter. Criteria: Invitae Variant Classification Sherloc (09022015). Collection method: clinical testing. Allele origin: germline.
Comment: This sequence change replaces isoleucine, which is neutral and non-polar, with methionine, which is neutral and non-polar, at codon 205 of the TPP1 protein (p.Ile205Met). This variant is not present in population databases (gnomAD no frequency). This variant has not been reported in the literature in individuals affected with TPP1-related conditions. Algorithms developed to predict the effect of missense changes on protein structure and function are either unavailable or do not agree on the potential impact of this missense change (SIFT: "Tolerated"; PolyPhen-2: "Probably Damaging"; Align-GVGD: "Class C0"). In summary, the available evidence is currently insufficient to determine the role of this variant in disease. Therefore, it has been classified as a Variant of Uncertain Significance.